The following is an entry in ClinVar:

NM_001379500.1(COL18A1):c.2621-2A>G

Gene: COL18A1 (collagen type XVIII alpha 1 chain; plus strand). Cytogenetic location: 21q22.3.
Variant type: single nucleotide variant.
Coding change: c.2621-2A>G on transcript NM_001379500.1 (MANE Select); the canonical splice acceptor site of the intron before coding-DNA position 2621, A replaced by G.
Molecular consequence: splice acceptor variant.
Genome position (GRCh38, 1-based): chr21:45,497,597, A>G. VCF-style: chr21-45497597-A-G. GRCh37 (hg19) VCF-style: chr21-46917511-A-G.
Other names: c.3866-2A>G (NM_130444.3); c.3161-2A>G (NM_030582.4).
Identifiers: ClinVar variation 1492041 (VCV001492041.6), dbSNP rs1239178537, ClinGen allele CA410498132.

ClinVar aggregate classification (germline): Likely pathogenic (1 of 4 stars; one submission).

Allele frequency attached by ClinVar (database versions not stated): gnomAD exomes below 0.00001; TOPMed below 0.00001; gnomAD 0.00001.
gnomAD v4.1: 3 of 1,559,986 alleles (0.00019%); highest among the groups gnomAD compares: Non-Finnish European, 0.00026%; no homozygotes.

Submission:

Labcorp Genetics (formerly Invitae), Labcorp
Classification: Likely pathogenic. Last evaluated: 2025-01-06. Review status: criteria provided, single submitter. Criteria: Invitae Variant Classification Sherloc (09022015). Collection method: clinical testing. Allele origin: germline.
Comment: This sequence change affects an acceptor splice site in intron 31 of the COL18A1 gene. It is expected to disrupt RNA splicing. Variants that disrupt the donor or acceptor splice site typically lead to a loss of protein function (PMID: 16199547), and loss-of-function variants in COL18A1 are known to be pathogenic (PMID: 12415512, 25456301). This variant is not present in population databases (gnomAD no frequency). This variant has not been reported in the literature in individuals affected with COL18A1-related conditions. ClinVar contains an entry for this variant (Variation ID: 1492041). Algorithms developed to predict the effect of sequence changes on RNA splicing suggest that this variant may disrupt the consensus splice site. In summary, the currently available evidence indicates that the variant is pathogenic, but additional data are needed to prove that conclusively. Therefore, this variant has been classified as Likely Pathogenic.

Literature cited by the submitters: PubMed 16199547; PubMed 12415512; PubMed 25456301.